The following is an entry in ClinVar:

NM_004656.4(BAP1):c.932-17T>C

Gene: BAP1 (BRCA1 associated deubiquitinase 1; minus strand). Cytogenetic location: 3p21.1.
Variant type: single nucleotide variant.
Coding change: c.932-17T>C on transcript NM_004656.4 (MANE Select); 17 bases into the intron before coding-DNA position 932, T replaced by C.
Molecular consequence: intron variant.
Genome position (GRCh38, 1-based): chr3:52,405,311, A>G on the plus strand (T>C on the coding strand, the complement: BAP1 is on the minus strand). VCF-style: chr3-52405311-A-G. GRCh37 (hg19) VCF-style: chr3-52439327-A-G.
Identifiers: ClinVar variation 628837 (VCV000628837.5), dbSNP rs1559588683, ClinGen allele CA913188185.

ClinVar aggregate classification (germline): Conflicting classifications of pathogenicity. Review status: criteria provided, conflicting classifications (1 of 4 stars). 2 submissions from 2 submitters: Uncertain significance (1); Likely benign (1). Last evaluated 2023-03-04.

Conditions:
BAP1-related tumor predisposition syndrome (TPDS1). Also called: Tumor susceptibility linked to germline BAP1 mutations; BAP1 tumor predisposition syndrome; TUMOR PREDISPOSITION SYNDROME 1; COMMON Syndrome. Identifiers: Orphanet 289539, MedGen C3280492, MONDO:0013692, OMIM 614327.
Hereditary cancer-predisposing syndrome. Also called: Neoplastic Syndromes, Hereditary; Tumor predisposition; Hereditary neoplastic syndrome; Hereditary Cancer Syndrome. Identifiers: Orphanet 140162, MedGen C0027672, MeSH D009386, MONDO:0015356.

Submissions (2):

Labcorp Genetics (formerly Invitae), Labcorp
Classification: Uncertain significance for BAP1-related tumor predisposition syndrome. Last evaluated: 2023-03-04. Review status: criteria provided, single submitter. Criteria: Invitae Variant Classification Sherloc (09022015). Collection method: clinical testing. Allele origin: germline.
Comment: In summary, the available evidence is currently insufficient to determine the role of this variant in disease. Therefore, it has been classified as a Variant of Uncertain Significance. Studies have shown that this variant is associated with altered splicing resulting in unknown protein product impact (Invitae). ClinVar contains an entry for this variant (Variation ID: 628837). This variant has not been reported in the literature in individuals affected with BAP1-related conditions. This variant is not present in population databases (gnomAD no frequency). This sequence change falls in intron 10 of the BAP1 gene. It does not directly change the encoded amino acid sequence of the BAP1 protein.

Color Diagnostics, LLC DBA Color Health
Classification: Likely benign for Hereditary cancer-predisposing syndrome. Last evaluated: 2018-07-10. Review status: criteria provided, single submitter. Criteria: ACMG Guidelines, 2015. Collection method: clinical testing. Allele origin: germline.